The following is an entry in ClinVar:

NM_001128840.3(CACNA1D):c.4867A>G (p.Lys1623Glu)

Gene: CACNA1D (calcium voltage-gated channel subunit alpha1 D; plus strand). Cytogenetic location: 3p21.1.
Variant type: single nucleotide variant.
Coding change: c.4867A>G on transcript NM_001128840.3 (MANE Select); coding-DNA position 4867, A replaced by G.
Protein change: p.Lys1623Glu; replaces lysine 1623 with glutamic acid.
Molecular consequence: missense variant.
Genome position (GRCh38, 1-based): chr3:53,786,896, A>G. VCF-style: chr3-53786896-A-G. GRCh37 (hg19) VCF-style: chr3-53820923-A-G.
Other names: c.4927A>G, p.Lys1643Glu (NM_000720.4); c.4822A>G, p.Lys1608Glu (NM_001128839.3); short protein forms K1608E, K1623E, K1643E.
Identifiers: ClinVar variation 2821858 (VCV002821858.3), dbSNP rs2474342415, ClinGen allele CA353247293.

ClinVar aggregate classification (germline): Uncertain significance (1 of 4 stars; one submission).

Submission:

Labcorp Genetics (formerly Invitae), Labcorp
Classification: Uncertain significance. Last evaluated: 2022-12-18. Review status: criteria provided, single submitter. Criteria: Invitae Variant Classification Sherloc (09022015). Collection method: clinical testing. Allele origin: germline.
Comment: In summary, the available evidence is currently insufficient to determine the role of this variant in disease. Therefore, it has been classified as a Variant of Uncertain Significance. Advanced modeling of protein sequence and biophysical properties (such as structural, functional, and spatial information, amino acid conservation, physicochemical variation, residue mobility, and thermodynamic stability) performed at Invitae indicates that this missense variant is not expected to disrupt CACNA1D protein function. This variant has not been reported in the literature in individuals affected with CACNA1D-related conditions. This variant is not present in population databases (gnomAD no frequency). This sequence change replaces lysine, which is basic and polar, with glutamic acid, which is acidic and polar, at codon 1643 of the CACNA1D protein (p.Lys1643Glu).